The following is an entry in ClinVar:

NM_001127701.1(SERPINA1):c.187C>T (p.Arg63Cys)

Gene: SERPINA1 (serpin family A member 1; minus strand). Cytogenetic location: 14q32.13.
Variant type: single nucleotide variant.
Coding change: c.187C>T on transcript NM_001127701.1; coding-DNA position 187, C replaced by T.
Protein change: p.Arg63Cys; replaces arginine 63 with cysteine.
Molecular consequence: missense variant (on NM_000295.5).
Genome position (GRCh38, 1-based): chr14:94,383,051, G>A on the plus strand (C>T on the coding strand, the complement: SERPINA1 is on the minus strand). VCF-style: chr14-94383051-G-A. GRCh37 (hg19) VCF-style: chr14-94849388-G-A.
Other names: R39C; SERPINA1, ARG39CYS ON M1V; c.187C>T, p.Arg63Cys (NM_000295.5, NM_001002235.3, NM_001002236.3 and 8 more transcripts); short protein forms R63C.
Identifiers: ClinVar variation 17974 (VCV000017974.76), dbSNP rs28931570, ClinGen allele CA325650.

ClinVar aggregate classification (germline): Pathogenic/Likely pathogenic. Review status: criteria provided, multiple submitters, no conflicts (2 of 4 stars). 18 submissions from 18 submitters: Pathogenic (8); Likely pathogenic (7). 3 of the submissions do not count toward it. Last evaluated 2026-04-01.

Conditions:
SERPINA1-related disorder. Also called: SERPINA1-related condition; SerpinA1-related disorders.
Alpha-1-antitrypsin deficiency (A1ATD). Also called: Alpha1-Antitrypsin Deficiency; AAT deficiency; A1AT deficiency. Identifiers: Orphanet 60, MedGen C0221757, MONDO:0013282, OMIM 613490.
PI I.

Allele frequency attached by ClinVar (database versions not stated): 1000 Genomes Project 30x 0.00047; ExAC 0.00097; 1000 Genomes Project 0.00060; gnomAD exomes 0.00106; gnomAD 0.00137; TOPMed 0.00168.
gnomAD v4.1: 2,881 of 1,613,714 alleles (0.18%); highest among the groups gnomAD compares: Non-Finnish European, 0.23%; 7 homozygotes.

Submissions 1 to 13 of 18:

CeGaT Center for Human Genetics Tuebingen
Classification: Pathogenic. Last evaluated: 2026-04-01. Review status: criteria provided, single submitter. Criteria: CeGaT Center For Human Genetics Tuebingen Variant Classification Criteria Version 2. Collection method: clinical testing. Allele origin: germline. Affected: yes. Observed: 7 variant alleles.
Comment: SERPINA1: PM3:Very Strong, PS3, PM2:Supporting

OLLIN Analises Genomicas, OLLIN
Classification: Likely pathogenic for Alpha-1-antitrypsin deficiency. Last evaluated: 2026-02-13. Review status: criteria provided, single submitter. Criteria: ACMG Guidelines 2015 PMID 25741868. Collection method: clinical testing. Allele origin: germline. Observed: 2 variant alleles.
Comment: PS4_M, PM3_S, PP3

Dasa
Classification: Pathogenic. Last evaluated: 2026-02-09. Review status: criteria provided, single submitter. Criteria: DASA Assertion Criteria. Collection method: clinical testing. Allele origin: germline.
Comment: NM_000295.5(SERPINA1):c.187C>T (p.Arg63Cys) is a missense variant that results in the substitution of arginine with cysteine. Functional evidence supports a deleterious effect on the gene or gene product (PMID: 2606478; PMID: 10194472; PMID: 21752289; PMID: 22912357; PMID: 24713750). This variant has been recurrently observed in individuals with related phenotype (PMID: 2606478; PMID: 10194472; PMID: 21752289; PMID: 22912357; PMID: 24713750). Segregation evidence has been reported in affected families. The variant is present at low frequency in population datasets. Based on the available data, this variant is classified as pathogenic.

Labcorp Genetics (formerly Invitae), Labcorp
Classification: Likely pathogenic for Alpha-1-antitrypsin deficiency. Last evaluated: 2026-01-19. Review status: criteria provided, single submitter. Criteria: Invitae Variant Classification Sherloc (09022015). Collection method: clinical testing. Allele origin: germline.
Comment: This sequence change replaces arginine, which is basic and polar, with cysteine, which is neutral and slightly polar, at codon 63 of the SERPINA1 protein (p.Arg63Cys). This variant is present in population databases (rs28931570, gnomAD 0.2%), and has an allele count higher than expected for a pathogenic variant. This missense change has been observed in individuals with alpha 1-antitrypsin deficiency when in combination with the p.Glu366Lys (Pi*Z) variant. Individuals with this missense change and the p.Glu288Val (Pi*S) variant have been reported with mild or no deficiency of alpha 1-antitrypsin (PMID: 2606478, 10194472, 21752289, 22912357, 24713750). This variant is also known as Arg39Cys and the I allele. ClinVar contains an entry for this variant (Variation ID: 17974). Invitae Evidence Modeling of protein sequence and biophysical properties (such as structural, functional, and spatial information, amino acid conservation, physicochemical variation, residue mobility, and thermodynamic stability) has been performed for this missense variant. However, the output from this modeling did not meet the statistical confidence thresholds required to predict the impact of this variant on SERPINA1 protein function. Experimental studies have shown that this missense change affects SERPINA1 function (PMID: 10194472). In summary, the currently available evidence indicates that the variant is pathogenic, but additional data are needed to prove that conclusively. Therefore, this variant has been classified as Likely Pathogenic.

PreventionGenetics, part of Exact Sciences
Classification: Likely pathogenic for SERPINA1-related condition. Last evaluated: 2026-01-12. Review status: criteria provided, single submitter. Criteria: ACMG Guidelines, 2015. Collection method: clinical testing. Allele origin: germline.
Comment: The SERPINA1 c.187C>T variant is predicted to result in the amino acid substitution p.Arg63Cys. This variant, also known as p.Arg39Cys and as the protease inhibitor (PI) type I variant (PI*I), has been reported as a mild Alpha-1 antitrypsin deficiency variant that requires the presence of a second strong deficiency variant to cause disease (Amendola et al. 2015. PubMed ID: 25637381; Baur and Bencze. 1987. PubMed ID: 3496639; Mahadeva et al. 1999. PubMed ID: 10194472; Silva et al. 2016. PubMed ID: 27296815; Giacopuzzi et al. 2018. PubMed ID: 29882371). This variant is reported in 0.21% of alleles in individuals of European (non-Finnish) descent in gnomAD. We classify this variant as likely pathogenic.

Blueprint Genetics
Classification: Pathogenic for SERPINA1-related disorders. Last evaluated: 2024-11-25. Review status: criteria provided, single submitter. Criteria: ACMG Guidelines, 2015. Collection method: clinical testing. Allele origin: germline. Affected: yes. Observed: 5 variant alleles.

Department of Pathology and Laboratory Medicine, Sinai Health System
Classification: Pathogenic for Alpha-1-antitrypsin deficiency. Last evaluated: 2023-07-15. Review status: criteria provided, single submitter. Criteria: ACMG Guidelines, 2015. Collection method: research. Allele origin: germline.

Women's Health and Genetics/Laboratory Corporation of America, LabCorp
Classification: Pathogenic for Alpha-1-antitrypsin deficiency. Last evaluated: 2023-02-17. Review status: criteria provided, single submitter. Criteria: LabCorp Variant Classification Summary - May 2015. Collection method: clinical testing. Allele origin: germline.
Comment: Variant summary: SERPINA1 c.187C>T (p.Arg63Cys) results in a non-conservative amino acid change located in the Serpin domain (IPR023796) of the encoded protein sequence. Five of five in-silico tools predict a damaging effect of the variant on protein function. The variant allele was found at a frequency of 0.0011 in 251314 control chromosomes in the gnomAD database, including 1 homozygote. c.187C>T (also known as Arg39Cys and as I allele) has been reported in the literature in multiple individuals affected with Alpha-1-Antitrypsin Deficiency (e.g. Mahadeva_1999, Carroll_2011, Donato_2012, Gupta_2020). These data indicate that the variant is very likely to be associated with disease. Experimental evidence evaluating an impact on protein function demonstrated the variant exhibits decreased stability, and forms aberrant disulphide bonds leading to reduced secretion of a1-antitrypsin (Mahadeva_1999, Jung_2004, Ronzoni_2016). Seven ClinVar submitters (evaluation after 2014) cite the variant as pathogenic/likely pathogenic and one ClinVar submitter (evaluation after 2014) cites it as other. Based on the evidence outlined above, the variant was classified as pathogenic.

Fulgent Genetics
Classification: Likely pathogenic for Alpha-1-antitrypsin deficiency. Last evaluated: 2022-05-10. Review status: criteria provided, single submitter. Criteria: ACMG Guidelines, 2015. Collection method: clinical testing. Allele origin: unknown.

GeneDx
Classification: Pathogenic. Last evaluated: 2022-04-12. Review status: criteria provided, single submitter. Criteria: GeneDx Variant Classification Process June 2021. Collection method: clinical testing. Allele origin: germline. Affected: yes.
Comment: Published functional studies demonstrate that the R63C variant impairs protein secretion by forming aberrant disulfide bonds (Ronzoni et al., 2016); In silico analysis supports that this missense variant has a deleterious effect on protein structure/function; This variant is associated with the following publications: (PMID: 24713750, 29882371, 26987331, 24055113, 25637381, 21228398, 23632999, 27296815, 30487145, 31447099, 31589614, 2606478, 26647313, 34426522, 31980526)

Revvity Omics, Revvity
Classification: Likely pathogenic for Alpha-1-antitrypsin deficiency. Last evaluated: 2021-06-24. Review status: criteria provided, single submitter. Criteria: ACMG Guidelines, 2015. Collection method: clinical testing. Allele origin: germline.

Eurofins Ntd Llc (ga)
Classification: Likely pathogenic. Last evaluated: 2017-08-14. Review status: criteria provided, single submitter. Criteria: EGL Classification Definitions 2015. Collection method: clinical testing. Allele origin: germline. Observed: 16 variant alleles, 16 heterozygotes.

Illumina Laboratory Services, Illumina
Classification: Pathogenic for Alpha-1-antitrypsin deficiency. Last evaluated: 2017-04-27. Review status: criteria provided, single submitter. Criteria: ICSL Variant Classification Criteria 09 May 2019. Collection method: clinical testing. Allele origin: germline.
Comment: The SERPINA1 c.187C>T (p.Arg63Cys) missense variant, more commonly known as p.Arg39Cys or the protease inhibitor (PI) type I variant (PI*I), is widely reported in the literature. Across a selection of the available literature, the p.Arg63Cys variant has been identified in a compound heterozygous state with a known pathogenic variant in at least 156 individuals with alpha-1 antitrypsin deficiency (Baur et al. 1987; Seri et al., 1992; Mahadeva et al. 1999; Ferrarotti et al., 2007; Zorzetto et al., 2008; Carroll et al., 2011; Donato et al., 2012; Suh-Lailam et al. 2014; Duk et al.2016; Silva et al. 2016). The p.Arg63Cys variant is reported at a frequency of 0.00298 in the European population of the 1000 Genomes Project. Mahadeva et al. (1999) performed an in vitro functional study and discovered the p.Arg63Cys variant protein is conformationally unstable and forms polymer chains, while the wild type SERPINA1 protein remains monomeric. The variant is thought to have a mild effect on the SERPINA1 protein and likely requires the contribution of a strongly pathogenic variant to cause disease. Based on the collective evidence, the p.Arg63Cys variant is classified as pathogenic for alpha-1 antitrypsin deficiency. This variant was observed by ICSL as part of a predisposition screen in an ostensibly healthy population.